The following is an entry in ClinVar:

ClinVar aggregate classification (germline): Uncertain significance (1 of 4 stars; one submission).

Conditions:
Ataxia-telangiectasia syndrome (AT). Also called: ATAXIA-TELANGIECTASIA, COMPLEMENTATION GROUP A; ATAXIA-TELANGIECTASIA, FRESNO VARIANT; LOUIS-BAR SYNDROME; Ataxia-telangiectasia, complementation group D; Ataxia-telangiectasia, complementation group E; Cerebello-oculocutaneous telangiectasia. Identifiers: Orphanet 100, MedGen C0004135, MONDO:0008840, OMIM 208900.

Submission:

Labcorp Genetics (formerly Invitae), Labcorp
Classification: Uncertain significance for Ataxia-telangiectasia syndrome. Last evaluated: 2024-05-01. Review status: criteria provided, single submitter. Criteria: Invitae Variant Classification Sherloc (09022015). Collection method: clinical testing. Allele origin: germline.
Comment: This sequence change replaces serine, which is neutral and polar, with proline, which is neutral and non-polar, at codon 1883 of the ATM protein (p.Ser1883Pro). This variant is not present in population databases (gnomAD no frequency). This variant has not been reported in the literature in individuals affected with ATM-related conditions. An algorithm developed to predict the effect of missense changes on protein structure and function (PolyPhen-2) suggests that this variant is likely to be tolerated. In summary, the available evidence is currently insufficient to determine the role of this variant in disease. Therefore, it has been classified as a Variant of Uncertain Significance.

NM_000051.4(ATM):c.5647T>C (p.Ser1883Pro)

Gene: ATM (ATM serine/threonine kinase; plus strand). Cytogenetic location: 11q22.3.
Variant type: single nucleotide variant.
Coding change: c.5647T>C on transcript NM_000051.4 (MANE Select); coding-DNA position 5647, T replaced by C.
Protein change: p.Ser1883Pro; replaces serine 1883 with proline.
Molecular consequence: missense variant.
Genome position (GRCh38, 1-based): chr11:108,304,825, T>C. VCF-style: chr11-108304825-T-C. GRCh37 (hg19) VCF-style: chr11-108175552-T-C.
Other names: c.5647T>C, p.Ser1883Pro (NM_001351834.2); short protein forms S1883P.
Identifiers: ClinVar variation 3651753 (VCV003651753.2).